The following is an entry in ClinVar:

ClinVar aggregate classification (germline): Uncertain significance (1 of 4 stars; one submission).

Submission:

Labcorp Genetics (formerly Invitae), Labcorp
Classification: Uncertain significance. Last evaluated: 2022-11-04. Review status: criteria provided, single submitter. Criteria: Invitae Variant Classification Sherloc (09022015). Collection method: clinical testing. Allele origin: germline.
Comment: In summary, the available evidence is currently insufficient to determine the role of this variant in disease. Therefore, it has been classified as a Variant of Uncertain Significance. Algorithms developed to predict the effect of missense changes on protein structure and function are either unavailable or do not agree on the potential impact of this missense change (SIFT: "Deleterious"; PolyPhen-2: "Probably Damaging"; Align-GVGD: "Class C0"). This variant has not been reported in the literature in individuals affected with RNF31-related conditions. This variant is present in population databases (no rsID available, gnomAD 0.0009%). This sequence change replaces valine, which is neutral and non-polar, with methionine, which is neutral and non-polar, at codon 580 of the RNF31 protein (p.Val580Met).

NM_017999.5(RNF31):c.1738G>A (p.Val580Met)

Gene: RNF31 (ring finger protein 31; plus strand). Cytogenetic location: 14q12.
Variant type: single nucleotide variant.
Coding change: c.1738G>A on transcript NM_017999.5 (MANE Select); coding-DNA position 1738, G replaced by A.
Protein change: p.Val580Met; replaces valine 580 with methionine.
Molecular consequence: missense variant.
Genome position (GRCh38, 1-based): chr14:24,151,485, G>A. VCF-style: chr14-24151485-G-A. GRCh37 (hg19) VCF-style: chr14-24620694-G-A.
Other names: c.1285G>A, p.Val429Met (NM_001310332.2); short protein forms V429M, V580M.
Identifiers: ClinVar variation 2989812 (VCV002989812.3), dbSNP rs969545002, ClinGen allele CA257872812.